The following is an entry in ClinVar:

NM_002519.3(NPAT):c.2111A>T (p.Glu704Val)

Gene: NPAT (nuclear protein, coactivator of histone transcription; minus strand). Cytogenetic location: 11q22.3.
Variant type: single nucleotide variant.
Coding change: c.2111A>T on transcript NM_002519.3 (MANE Select); coding-DNA position 2111, A replaced by T.
Protein change: p.Glu704Val; replaces glutamic acid 704 with valine.
Molecular consequence: missense variant.
Genome position (GRCh38, 1-based): chr11:108,172,873, T>A on the plus strand (A>T on the coding strand, the complement: NPAT is on the minus strand). VCF-style: chr11-108172873-T-A. GRCh37 (hg19) VCF-style: chr11-108043600-T-A.
Other names: c.2111A>T, p.Glu704Val (NM_001321307.1); short protein forms E704V.
Identifiers: ClinVar variation 2567966 (VCV002567966.2), dbSNP rs2496718639, ClinGen allele CA382513665.

ClinVar aggregate classification (germline): Uncertain significance (1 of 4 stars; one submission).

Submission:

Ambry Genetics
Classification: Uncertain significance. Last evaluated: 2023-04-03. Review status: criteria provided, single submitter. Criteria: Ambry Variant Classification Scheme 2023. Collection method: clinical testing. Allele origin: germline.
Comment: The p.E704V variant (also known as c.2111A>T), located in coding exon 13 of the NPAT gene, results from an A to T substitution at nucleotide position 2111. The glutamic acid at codon 704 is replaced by valine, an amino acid with dissimilar properties. This amino acid position is conserved. In addition, this alteration is predicted to be tolerated by in silico analysis. Since supporting evidence is limited at this time, the clinical significance of this alteration remains unclear.